The following is an entry in ClinVar:

ClinVar aggregate classification (germline): Conflicting classifications of pathogenicity. Review status: criteria provided, conflicting classifications (1 of 4 stars). 5 submissions from 5 submitters: Uncertain significance (4); Likely benign (1). Last evaluated 2025-06-19.

Conditions:
Glycogen storage disease IXd (GSD9D). Also called: GSD IXd; Muscle Phosphorylase Kinase Deficiency. Identifiers: Orphanet 715, MedGen C1845151, MONDO:0010362, OMIM 300559.
Inborn genetic diseases. Identifiers: MedGen C0950123, MeSH D030342.

Allele frequency attached by ClinVar (database versions not stated): ESP Exome Variant Server 0.00019; gnomAD exomes 0.00019 and 0.00045; ExAC 0.00020; TOPMed 0.00024; gnomAD 0.00025 and 0.00026.

Submissions (5):

Ambry Genetics
Classification: Uncertain significance for Inborn genetic diseases. Last evaluated: 2025-06-19. Review status: criteria provided, single submitter. Criteria: Ambry Variant Classification Scheme 2023. Collection method: clinical testing. Allele origin: germline.

Labcorp Genetics (formerly Invitae), Labcorp
Classification: Uncertain significance for Glycogen storage disease IXd. Last evaluated: 2024-11-11. Review status: criteria provided, single submitter. Criteria: Invitae Variant Classification Sherloc (09022015). Collection method: clinical testing. Allele origin: germline.
Comment: This sequence change replaces leucine, which is neutral and non-polar, with proline, which is neutral and non-polar, at codon 297 of the PHKA1 protein (p.Leu297Pro). This variant is present in population databases (rs138195744, gnomAD 0.04%), and has an allele count higher than expected for a pathogenic variant. This variant has not been reported in the literature in individuals affected with PHKA1-related conditions. ClinVar contains an entry for this variant (Variation ID: 1212730). Invitae Evidence Modeling of protein sequence and biophysical properties (such as structural, functional, and spatial information, amino acid conservation, physicochemical variation, residue mobility, and thermodynamic stability) indicates that this missense variant is expected to disrupt PHKA1 protein function with a positive predictive value of 80%. In summary, the available evidence is currently insufficient to determine the role of this variant in disease. Therefore, it has been classified as a Variant of Uncertain Significance.

Mayo Clinic Laboratories, Mayo Clinic
Classification: Uncertain significance. Last evaluated: 2023-08-08. Review status: criteria provided, single submitter. Criteria: ACMG Guidelines, 2015. Collection method: clinical testing. Allele origin: germline. Observed: 1 variant allele.
Comment: BS2, PP3, PM2_moderate

GeneDx
Classification: Likely benign. Last evaluated: 2021-07-26. Review status: criteria provided, single submitter. Criteria: GeneDx Variant Classification Process June 2021. Collection method: clinical testing. Allele origin: germline. Affected: yes.

Institute for Medical Genetics and Human Genetics, Charité - Universitätsmedizin Berlin
Classification: Uncertain significance for Glycogen storage disease IXd. Review status: criteria provided, single submitter. Criteria: ACMG Guidelines, 2015. Collection method: not provided. Allele origin: germline. Inheritance: X-linked inheritance. Affected: yes.

NM_002637.4(PHKA1):c.890T>C (p.Leu297Pro)

Gene: PHKA1 (phosphorylase kinase regulatory subunit alpha 1; minus strand). Cytogenetic location: Xq13.1.
Variant type: single nucleotide variant.
Coding change: c.890T>C on transcript NM_002637.4 (MANE Select); coding-DNA position 890, T replaced by C.
Protein change: p.Leu297Pro; replaces leucine 297 with proline.
Molecular consequence: missense variant.
Genome position (GRCh38, 1-based): chrX:72,657,616, A>G on the plus strand (T>C on the coding strand, the complement: PHKA1 is on the minus strand). VCF-style: chrX-72657616-A-G. GRCh37 (hg19) VCF-style: chrX-71877466-A-G.
Other names: p.Leu297Pro; c.890T>C, p.Leu297Pro (NM_001122670.2, NM_001172436.2); short protein forms L297P.
Identifiers: ClinVar variation 1212730 (VCV001212730.14), dbSNP rs138195744, ClinGen allele CA10450974.